The following is an entry in ClinVar:

ClinVar aggregate classification (germline): Uncertain significance. Review status: criteria provided, multiple submitters, no conflicts (2 of 4 stars). 2 submissions from 2 submitters: Uncertain significance (2). Last evaluated 2025-05-05.

Conditions:
Hereditary cancer-predisposing syndrome. Also called: Hereditary neoplastic syndrome; Tumor predisposition; Hereditary Cancer Syndrome; Neoplastic Syndromes, Hereditary. Identifiers: Orphanet 140162, MedGen C0027672, MeSH D009386, MONDO:0015356.

Submissions (2):

Ambry Genetics
Classification: Uncertain significance for Hereditary cancer-predisposing syndrome. Last evaluated: 2025-05-05. Review status: criteria provided, single submitter. Criteria: Ambry Variant Classification Scheme 2023. Collection method: clinical testing. Allele origin: germline.
Comment: The p.M1917V variant (also known as c.5749A>G), located in coding exon 42 of the POLE gene, results from an A to G substitution at nucleotide position 5749. The methionine at codon 1917 is replaced by valine, an amino acid with highly similar properties. This amino acid position is highly conserved in available vertebrate species. In addition, the in silico prediction for this alteration is inconclusive. Based on the available evidence, the clinical significance of this variant remains unclear.

Labcorp Genetics (formerly Invitae), Labcorp
Classification: Uncertain significance. Last evaluated: 2024-07-15. Review status: criteria provided, single submitter. Criteria: Invitae Variant Classification Sherloc (09022015). Collection method: clinical testing. Allele origin: germline.
Comment: This sequence change replaces methionine, which is neutral and non-polar, with valine, which is neutral and non-polar, at codon 1917 of the POLE protein (p.Met1917Val). This variant is present in population databases (rs773209557, gnomAD 0.0009%). This variant has not been reported in the literature in individuals affected with POLE-related conditions. Advanced modeling of protein sequence and biophysical properties (such as structural, functional, and spatial information, amino acid conservation, physicochemical variation, residue mobility, and thermodynamic stability) performed at Invitae indicates that this missense variant is not expected to disrupt POLE protein function with a negative predictive value of 80%. In summary, the available evidence is currently insufficient to determine the role of this variant in disease. Therefore, it has been classified as a Variant of Uncertain Significance.

NM_006231.4(POLE):c.5749A>G (p.Met1917Val)

Gene: POLE (DNA polymerase epsilon, catalytic subunit; minus strand). Cytogenetic location: 12q24.33.
Variant type: single nucleotide variant.
Coding change: c.5749A>G on transcript NM_006231.4 (MANE Select); coding-DNA position 5749, A replaced by G.
Protein change: p.Met1917Val; replaces methionine 1917 with valine.
Molecular consequence: missense variant.
Genome position (GRCh38, 1-based): chr12:132,635,954, T>C on the plus strand (A>G on the coding strand, the complement: POLE is on the minus strand). VCF-style: chr12-132635954-T-C. GRCh37 (hg19) VCF-style: chr12-133212540-T-C.
Other names: c.5749A>G (NM_006231.2); short protein forms M1917V.
Identifiers: ClinVar variation 3706623 (VCV003706623.3).